The following is an entry in ClinVar:

NM_001267550.2(TTN):c.100804A>G (p.Met33602Val)

Genes: TTN-AS1 (TTN antisense RNA 1; plus strand), TTN (titin; minus strand). Cytogenetic location: 2q31.2.
Variant type: single nucleotide variant.
Coding change: c.100804A>G on transcript NM_001267550.2 (MANE Select); coding-DNA position 100804, A replaced by G.
Protein change: p.Met33602Val; replaces methionine 33602 with valine.
Molecular consequence: missense variant. On other transcripts: non-coding transcript variant (1).
Genome position (GRCh38, 1-based): chr2:178,535,811, T>C on the plus strand (A>G on the coding strand, the complement: TTN is on the minus strand). VCF-style: chr2-178535811-T-C. GRCh37 (hg19) VCF-style: chr2-179400538-T-C.
Other names: c.95881A>G, p.Met31961Val (NM_001256850.1); c.73609A>G, p.Met24537Val (NM_003319.4); c.93100A>G, p.Met31034Val (NM_133378.4); c.73984A>G, p.Met24662Val (NM_133432.3); c.74185A>G, p.Met24729Val (NM_133437.4); short protein forms M33602V, M24729V, M24537V, M31034V, M31961V, M24662V.
Identifiers: ClinVar variation 569758 (VCV000569758.7), dbSNP rs759368043, ClinGen allele CA349424527.

ClinVar aggregate classification (germline): Uncertain significance (1 of 4 stars; one submission).

Conditions:
Dilated cardiomyopathy 1G (CMD1G). Identifiers: Orphanet 154, MedGen C1858763, MONDO:0011400, OMIM 604145.
Autosomal recessive limb-girdle muscular dystrophy type 2J (LGMDR10). Also called: Limb-girdle muscular dystrophy, type 2J; MUSCULAR DYSTROPHY, LIMB-GIRDLE, AUTOSOMAL RECESSIVE 10. Identifiers: Orphanet 140922, MedGen C1837342, MONDO:0012127, OMIM 608807.

Allele frequency attached by ClinVar (database versions not stated): gnomAD exomes below 0.00001; TOPMed 0.00001.
gnomAD v4.1: 4 of 1,606,478 alleles (0.00025%); highest among the groups gnomAD compares: South Asian, 0.0011%; no homozygotes.

Submission:

Labcorp Genetics (formerly Invitae), Labcorp
Classification: Uncertain significance for Dilated cardiomyopathy 1G; Autosomal recessive limb-girdle muscular dystrophy type 2J. Last evaluated: 2026-01-27. Review status: criteria provided, single submitter. Criteria: Invitae Variant Classification Sherloc (09022015). Collection method: clinical testing. Allele origin: germline.
Comment: This sequence change replaces methionine, which is neutral and non-polar, with valine, which is neutral and non-polar, at codon 33602 of the TTN protein (p.Met33602Val). This variant is not present in population databases (gnomAD no frequency). This variant has not been reported in the literature in individuals affected with TTN-related conditions. ClinVar contains an entry for this variant (Variation ID: 569758). Experimental studies and prediction algorithms are not available or were not evaluated, and the functional significance of this variant is currently unknown. This variant is located in the M band of TTN (PMID: 25589632). Non-truncating variants in this region may be relevant for neuromuscular disorders, but have not been definitively shown to cause cardiomyopathy (PMID: 23975875). In summary, the available evidence is currently insufficient to determine the role of this variant in disease. Therefore, it has been classified as a Variant of Uncertain Significance.

Literature cited by the submitters: PubMed 25589632; PubMed 23975875.